The following is an entry in ClinVar:

NM_000482.4(APOA4):c.427C>T (p.Arg143Cys)

Gene: APOA4 (apolipoprotein A4; minus strand). Cytogenetic location: 11q23.3.
Variant type: single nucleotide variant.
Coding change: c.427C>T on transcript NM_000482.4 (MANE Select); coding-DNA position 427, C replaced by T.
Protein change: p.Arg143Cys; replaces arginine 143 with cysteine.
Molecular consequence: missense variant.
Genome position (GRCh38, 1-based): chr11:116,821,631, G>A on the plus strand (C>T on the coding strand, the complement: APOA4 is on the minus strand). VCF-style: chr11-116821631-G-A. GRCh37 (hg19) VCF-style: chr11-116692347-G-A.
Other names: short protein forms R143C.
Identifiers: ClinVar variation 2895590 (VCV002895590.3), dbSNP rs756971543, ClinGen allele CA6289434.

ClinVar aggregate classification (germline): Uncertain significance (1 of 4 stars; one submission).

Allele frequency attached by ClinVar (database versions not stated): gnomAD 0.00001; ExAC 0.00002.
gnomAD v4.1: 24 of 1,610,104 alleles (0.0015%); highest among the groups gnomAD compares: East Asian, 0.0022%; no homozygotes.

Submission:

Labcorp Genetics (formerly Invitae), Labcorp
Classification: Uncertain significance. Last evaluated: 2023-09-26. Review status: criteria provided, single submitter. Criteria: Invitae Variant Classification Sherloc (09022015). Collection method: clinical testing. Allele origin: germline.
Comment: This sequence change replaces arginine, which is basic and polar, with cysteine, which is neutral and slightly polar, at codon 143 of the APOA4 protein (p.Arg143Cys). This variant is present in population databases (rs756971543, gnomAD 0.006%). This variant has not been reported in the literature in individuals affected with APOA4-related conditions. Advanced modeling of protein sequence and biophysical properties (such as structural, functional, and spatial information, amino acid conservation, physicochemical variation, residue mobility, and thermodynamic stability) has been performed at Invitae for this missense variant, however the output from this modeling did not meet the statistical confidence thresholds required to predict the impact of this variant on APOA4 protein function. In summary, the available evidence is currently insufficient to determine the role of this variant in disease. Therefore, it has been classified as a Variant of Uncertain Significance.